The following is an entry in ClinVar:

ClinVar aggregate classification (germline): Conflicting classifications of pathogenicity. Review status: criteria provided, conflicting classifications (1 of 4 stars). 15 submissions from 15 submitters: Uncertain significance (1); Benign (5); Likely benign (8). 1 of the submissions does not count toward it. Last evaluated 2026-09-01.

Conditions:
Hereditary cancer-predisposing syndrome. Also called: Neoplastic Syndromes, Hereditary; Tumor predisposition; Hereditary Cancer Syndrome; Hereditary neoplastic syndrome. Identifiers: Orphanet 140162, MedGen C0027672, MeSH D009386, MONDO:0015356.
Tuberous sclerosis syndrome (TSC). Also called: Tuberous Sclerosis Complex; Tuberous sclerosis. Identifiers: Orphanet 805, MedGen C0041341, MONDO:0001734.
Tuberous sclerosis 2 (TSC2). Identifiers: Orphanet 805, MedGen C1860707, MONDO:0013199, OMIM 613254.

Allele frequency attached by ClinVar (database versions not stated): gnomAD 0.00015; 1000 Genomes Project 30x 0.00016; 1000 Genomes Project 0.00020; ExAC 0.00031; gnomAD exomes 0.00014; TOPMed 0.00014; ESP Exome Variant Server 0.00015.
gnomAD v4.1: 198 of 1,585,520 alleles (0.012%); highest among the groups gnomAD compares: Non-Finnish European, 0.013%; no homozygotes.

Submissions (15):

CeGaT Center for Human Genetics Tuebingen
Classification: Likely benign. Last evaluated: 2026-09-01. Review status: criteria provided, single submitter. Criteria: CeGaT Center For Human Genetics Tuebingen Variant Classification Criteria Version 2. Collection method: clinical testing. Allele origin: germline. Affected: yes. Observed: 5 variant alleles.
Comment: TSC2: BP4, BP7

Women's Health and Genetics/Laboratory Corporation of America, LabCorp
Classification: Benign. Last evaluated: 2026-05-30. Review status: criteria provided, single submitter. Criteria: LabCorp Variant Classification Summary - May 2015. Collection method: clinical testing. Allele origin: germline.

Labcorp Genetics (formerly Invitae), Labcorp
Classification: Benign for Tuberous sclerosis 2. Last evaluated: 2026-01-31. Review status: criteria provided, single submitter. Criteria: Invitae Variant Classification Sherloc (09022015). Collection method: clinical testing. Allele origin: germline.

Myriad Genetics, Inc.
Classification: Benign for Tuberous sclerosis 2. Last evaluated: 2025-05-02. Review status: criteria provided, single submitter. Criteria: Myriad Autosomal Dominant, Autosomal Recessive and X-Linked Classification Criteria (2023). Collection method: clinical testing. Allele origin: unknown.
Comment: This variant is considered benign. This variant is a silent/synonymous amino acid change and it is not expected to impact splicing.

Blueprint Genetics
Classification: Likely benign. Last evaluated: 2024-06-17. Review status: criteria provided, single submitter. Criteria: ACMG Guidelines, 2015. Collection method: clinical testing. Allele origin: germline.

All of Us Research Program, National Institutes of Health
Classification: Benign for Tuberous sclerosis syndrome. Last evaluated: 2024-02-05. Review status: criteria provided, single submitter. Criteria: ACMG Guidelines, 2015. Collection method: clinical testing. Allele origin: germline. Inheritance: Autosomal dominant inheritance. Observed: 35 variant alleles, 35 heterozygotes.
Comment: This study involves interpretation of variants in research participants for the purpose of population health screening. Participant phenotype was not available at the time of variant classification. Additional details can be found in publication PMID: 35346344, PMCID: PMC8962531

Color Diagnostics, LLC DBA Color Health
Classification: Benign for Tuberous sclerosis syndrome. Last evaluated: 2022-09-07. Review status: criteria provided, single submitter. Criteria: ACMG Guidelines, 2015. Collection method: clinical testing. Allele origin: germline.

Genome-Nilou Lab
Classification: Likely benign for Tuberous sclerosis 2. Last evaluated: 2021-11-07. Review status: criteria provided, single submitter. Criteria: ACMG Guidelines, 2015. Collection method: clinical testing. Allele origin: germline. Affected: no.

Sema4
Classification: Likely benign for Hereditary cancer-predisposing syndrome. Last evaluated: 2021-06-03. Review status: criteria provided, single submitter. Criteria: Sema4 Curation Guidelines. Collection method: curation. Allele origin: germline.

GeneDx
Classification: Likely benign. Last evaluated: 2020-12-09. Review status: criteria provided, single submitter. Criteria: GeneDx Variant Classification Process June 2021. Collection method: clinical testing. Allele origin: germline. Affected: yes.

Illumina Laboratory Services, Illumina
Classification: Likely benign for Tuberous sclerosis syndrome. Last evaluated: 2019-02-07. Review status: criteria provided, single submitter. Criteria: ICSL Variant Classification Criteria 13 December 2019. Collection method: clinical testing. Allele origin: germline.
Comment: This variant was observed as part of a predisposition screen in an ostensibly healthy population. A literature search was performed for the gene, cDNA change, and amino acid change (where applicable). Publications were found based on this search. The evidence from the literature, in combination with allele frequency data from public databases where available, was sufficient to determine this variant is unlikely to cause disease. Therefore, this variant is classified as likely benign.

Eurofins Ntd Llc (ga)
Classification: Uncertain significance. Last evaluated: 2014-08-27. Review status: criteria provided, single submitter. Criteria: EGL Classification Definitions 2015. Collection method: clinical testing. Allele origin: germline. Observed: 1 variant allele, 1 heterozygote.

Ambry Genetics
Classification: Likely benign for Hereditary cancer-predisposing syndrome. Last evaluated: 2014-07-15. Review status: criteria provided, single submitter. Criteria: Ambry Variant Classification Scheme 2023. Collection method: clinical testing. Allele origin: germline.

PreventionGenetics, part of Exact Sciences
Classification: Likely benign. Review status: criteria provided, single submitter. Criteria: ACMG Guidelines, 2015. Collection method: clinical testing. Allele origin: germline.

Tuberous sclerosis database (TSC2)
No classification provided. Condition: TSC. Review status: no classification provided. Criteria: Tuberous Sclerosis Database Assertion Criteria 2015. Collection method: curation. Allele origin: germline. Affected: yes. Not counted in ClinVar's aggregate classification.

Literature cited by the submitters: PubMed 10533067 (cited by Illumina Laboratory Services, Illumina).

NM_000548.5(TSC2):c.300G>A (p.Ala100=)

Gene: TSC2 (TSC complex subunit 2; plus strand). Cytogenetic location: 16p13.3.
Variant type: single nucleotide variant.
Coding change: c.300G>A on transcript NM_000548.5 (MANE Select); coding-DNA position 300, G replaced by A.
Protein change: p.Ala100=; no amino-acid change (alanine 100 retained).
Molecular consequence: synonymous variant. On other transcripts: intron variant (2).
Genome position (GRCh38, 1-based): chr16:2,053,416, G>A. VCF-style: chr16-2053416-G-A. GRCh37 (hg19) VCF-style: chr16-2103417-G-A.
Other names: c.300G>A, p.Ala100= (NM_001077183.3, NM_001114382.3, NM_001363528.2 and 3 more transcripts); c.153G>A, p.Ala51= (NM_001318829.2); c.333G>A, p.Ala111= (NM_001318832.2); c.226-880G>A (NM_001318827.2); c.-1-2780G>A (NM_001318831.2).
Identifiers: ClinVar variation 50170 (VCV000050170.70), dbSNP rs45517100, ClinGen allele CA018399.